The following is an entry in ClinVar:

NM_000053.4(ATP7B):c.4072G>A (p.Ala1358Thr)

Gene: ATP7B (ATPase copper transporting beta; minus strand). Cytogenetic location: 13q14.3.
Variant type: single nucleotide variant.
Coding change: c.4072G>A on transcript NM_000053.4 (MANE Select); coding-DNA position 4072, G replaced by A.
Protein change: p.Ala1358Thr; replaces alanine 1358 with threonine.
Molecular consequence: missense variant.
Genome position (GRCh38, 1-based): chr13:51,935,645, C>T on the plus strand (G>A on the coding strand, the complement: ATP7B is on the minus strand). VCF-style: chr13-51935645-C-T. GRCh37 (hg19) VCF-style: chr13-52509781-C-T.
Other names: c.3451G>A, p.Ala1151Thr (NM_001005918.3); c.3739G>A, p.Ala1247Thr (NM_001243182.2); c.3838G>A, p.Ala1280Thr (NM_001330578.2, NM_001406527.1, NM_001406528.1); c.3820G>A, p.Ala1274Thr (NM_001330579.2, NM_001406531.1, NM_001406532.1); c.4072G>A, p.Ala1358Thr (NM_001406511.1, NM_001406512.1); c.4066G>A, p.Ala1356Thr (NM_001406513.1); c.4039G>A, p.Ala1347Thr (NM_001406514.1); c.4018G>A, p.Ala1340Thr (NM_001406515.1, NM_001406516.1); and 21 more; short protein forms A1131T, A1209T, A1290T, A1299T, A1310T, A1347T, A1151T, A1194T.
Identifiers: ClinVar variation 5003414 (VCV005003414.1).
Genomic context (GRCh38, chr13:51,935,645, plus strand): 5'-GGACTCACCACTTGAGCTGCAGGGATGAGAGCACCACAGACACAGAGGAGGCTGCCATGG[C>T]CGCTGAGCCCATCCAGGGCTGCAGCACAATGCCGATGGGCATGAAGACACCTGGGGAAGA-3'
Protein context (NP_000044.2, residues 1348-1368): IVLQPWMGSA[Ala1358Thr]MAASSVSVVL

ClinVar aggregate classification (germline): Uncertain significance (1 of 4 stars; one submission).

Conditions:
Wilson disease (WND). Also called: Wilson's disease. Identifiers: Orphanet 905, MedGen C0019202, MONDO:0010200, OMIM 277900. Disease mechanism: loss of function.

gnomAD v4.1: 1 of 1,613,690 alleles (0.000062%); highest among the groups gnomAD compares: Non-Finnish European, 0.000085%; no homozygotes.

Submission:

Myriad Genetics, Inc.
Classification: Uncertain significance for Wilson disease. Last evaluated: 2025-09-22. Review status: criteria provided, single submitter. Criteria: Myriad Autosomal Dominant, Autosomal Recessive and X-Linked Classification Criteria (2023). Collection method: clinical testing. Allele origin: unknown.
Comment: NM_000053.3(ATP7B):c.4072G>A(A1358T) is a missense variant classified as a variant of uncertain significance in the context of Wilson disease. A1358T has been observed in cases with relevant disease (PMID: 35220961). Relevant functional assessments of this variant are not available in the literature. A1358T has not been observed in referenced population frequency databases. In summary, there is insufficient evidence to classify NM_000053.3(ATP7B):c.4072G>A(A1358T) as pathogenic or benign. Please note: this variant was assessed in the context of healthy population screening.

Literature cited by the submitters: PubMed 35220961.